The following is an entry in ClinVar:

NM_005732.4(RAD50):c.1385A>G (p.Tyr462Cys)

Gene: RAD50 (RAD50 double strand break repair protein; plus strand). Cytogenetic location: 5q31.1.
Variant type: single nucleotide variant.
Coding change: c.1385A>G on transcript NM_005732.4 (MANE Select); coding-DNA position 1385, A replaced by G.
Protein change: p.Tyr462Cys; replaces tyrosine 462 with cysteine.
Molecular consequence: missense variant.
Genome position (GRCh38, 1-based): chr5:132,589,770, A>G. VCF-style: chr5-132589770-A-G. GRCh37 (hg19) VCF-style: chr5-131925462-A-G.
Other names: short protein forms Y462C.
Identifiers: ClinVar variation 231504 (VCV000231504.14), dbSNP rs781307208, ClinGen allele CA3405162.

ClinVar aggregate classification (germline): Uncertain significance. Review status: criteria provided, multiple submitters, no conflicts (2 of 4 stars). 2 submissions from 2 submitters: Uncertain significance (2). Last evaluated 2025-06-24.

Conditions:
Hereditary cancer-predisposing syndrome. Also called: Neoplastic Syndromes, Hereditary; Tumor predisposition; Hereditary Cancer Syndrome; Hereditary neoplastic syndrome. Identifiers: Orphanet 140162, MedGen C0027672, MeSH D009386, MONDO:0015356.

Allele frequency attached by ClinVar (database versions not stated): TOPMed below 0.00001; ExAC 0.00001; gnomAD 0.00001; gnomAD exomes 0.00001.
gnomAD v4.1: 4 of 1,613,694 alleles (0.00025%); highest among the groups gnomAD compares: Admixed American, 0.0067%; no homozygotes.

Submissions (2):

Labcorp Genetics (formerly Invitae), Labcorp
Classification: Uncertain significance for Hereditary cancer-predisposing syndrome. Last evaluated: 2025-06-24. Review status: criteria provided, single submitter. Criteria: Invitae Variant Classification Sherloc (09022015). Collection method: clinical testing. Allele origin: germline.
Comment: This sequence change replaces tyrosine, which is neutral and polar, with cysteine, which is neutral and slightly polar, at codon 462 of the RAD50 protein (p.Tyr462Cys). This variant is present in population databases (rs781307208, gnomAD 0.006%). This variant has not been reported in the literature in individuals affected with RAD50-related conditions. ClinVar contains an entry for this variant (Variation ID: 231504). Invitae Evidence Modeling of protein sequence and biophysical properties (such as structural, functional, and spatial information, amino acid conservation, physicochemical variation, residue mobility, and thermodynamic stability) indicates that this missense variant is not expected to disrupt RAD50 protein function with a negative predictive value of 80%. In summary, the available evidence is currently insufficient to determine the role of this variant in disease. Therefore, it has been classified as a Variant of Uncertain Significance.

Ambry Genetics
Classification: Uncertain significance for Hereditary cancer-predisposing syndrome. Last evaluated: 2025-05-17. Review status: criteria provided, single submitter. Criteria: Ambry Variant Classification Scheme 2023. Collection method: clinical testing. Allele origin: germline.
Comment: The p.Y462C variant (also known as c.1385A>G), located in coding exon 9 of the RAD50 gene, results from an A to G substitution at nucleotide position 1385. The tyrosine at codon 462 is replaced by cysteine, an amino acid with highly dissimilar properties. This amino acid position is poorly conserved in available vertebrate species. In addition, this alteration is predicted to be tolerated by in silico analysis. Since supporting evidence is limited at this time, the clinical significance of this alteration remains unclear.